The following is an entry in ClinVar:

NM_001375524.1(TRRAP):c.7677C>T (p.Ser2559=)

Gene: TRRAP (transformation/transcription domain associated protein; plus strand). Cytogenetic location: 7q22.1.
Variant type: single nucleotide variant.
Coding change: c.7677C>T on transcript NM_001375524.1 (MANE Select); coding-DNA position 7677, C replaced by T.
Protein change: p.Ser2559=; no amino-acid change (serine 2559 retained).
Molecular consequence: synonymous variant.
Genome position (GRCh38, 1-based): chr7:98,970,276, C>T. VCF-style: chr7-98970276-C-T. GRCh37 (hg19) VCF-style: chr7-98567899-C-T.
Other names: c.7656C>T, p.Ser2552= (NM_001244580.2); c.7602C>T, p.Ser2534= (NM_003496.4).
Identifiers: ClinVar variation 2884960 (VCV002884960.3), dbSNP rs770568005, ClinGen allele CA4361208.
Genomic context (GRCh38, chr7:98,970,276, plus strand): 5'-CCGTGCCGCCTTCGCCATGGTCACACATGTCAAGCAGGAGCCCCGGGAGCGGGAGAACAG[C>T]GAGTCCAAAGAGGAGGTGAGGCCCTGCACCCCACAGGCAGAATCCCAGAGAGGAGGTGAG-3'
Protein context (NP_001362453.1, residues 2549-2569): VKQEPREREN[Ser2559=]ESKEEDVEID

ClinVar aggregate classification (germline): Uncertain significance (1 of 4 stars; one submission).

Allele frequency attached by ClinVar (database versions not stated): ExAC 0.00003.
gnomAD v4.1: 21 of 1,612,270 alleles (0.0013%); highest among the groups gnomAD compares: African/African-American, 0.016%; no homozygotes.

Submission:

Labcorp Genetics (formerly Invitae), Labcorp
Classification: Uncertain significance. Last evaluated: 2024-07-11. Review status: criteria provided, single submitter. Criteria: Invitae Variant Classification Sherloc (09022015). Collection method: clinical testing. Allele origin: germline.
Comment: This sequence change affects codon 2534 of the TRRAP mRNA. It is a 'silent' change, meaning that it does not change the encoded amino acid sequence of the TRRAP protein. This variant is present in population databases (rs770568005, gnomAD 0.02%). This variant has not been reported in the literature in individuals affected with TRRAP-related conditions. Algorithms developed to predict the effect of sequence changes on RNA splicing suggest that this variant may create or strengthen a splice site. In summary, the available evidence is currently insufficient to determine the role of this variant in disease. Therefore, it has been classified as a Variant of Uncertain Significance.